The following is an entry in ClinVar:

ClinVar aggregate classification (germline): Uncertain significance (1 of 4 stars; one submission).

Submission:

Ambry Genetics
Classification: Uncertain significance. Last evaluated: 2024-06-08. Review status: criteria provided, single submitter. Criteria: Ambry Variant Classification Scheme 2023. Collection method: clinical testing. Allele origin: germline.
Comment: The p.E699Q variant (also known as c.2095G>C), located in coding exon 21 of the KIF1B gene, results from a G to C substitution at nucleotide position 2095. The glutamic acid at codon 699 is replaced by glutamine, an amino acid with highly similar properties. This amino acid position is conserved. In addition, this alteration is predicted to be tolerated by in silico analysis. Based on the available evidence, the clinical significance of this variant remains unclear.

NM_001365951.3(KIF1B):c.2233G>C (p.Glu745Gln)

Gene: KIF1B (kinesin family member 1B; plus strand). Cytogenetic location: 1p36.22.
Variant type: single nucleotide variant.
Coding change: c.2233G>C on transcript NM_001365951.3 (MANE Select); coding-DNA position 2233, G replaced by C.
Protein change: p.Glu745Gln; replaces glutamic acid 745 with glutamine.
Molecular consequence: missense variant.
Genome position (GRCh38, 1-based): chr1:10,321,732, G>C. VCF-style: chr1-10321732-G-C. GRCh37 (hg19) VCF-style: chr1-10381790-G-C.
Other names: c.2233G>C, p.Glu745Gln (NM_001365952.1); c.2095G>C, p.Glu699Gln (NM_015074.3); short protein forms E745Q, E699Q.
Identifiers: ClinVar variation 3288480 (VCV003288480.1).
Genomic context (GRCh38, chr1:10,321,732, plus strand): 5'-AAGATTGCCATTAAATATGCATCATTCATTCTTTCAGTTCCTTGGACACAGCATGAATTT[G>C]AGTTGGCCCAATGGGCCTTCCGGAAATGGAAGTCTCATCAGTTTACTTCATTACGGGACT-3'
Protein context (NP_001352880.1, residues 735-755): EEVPWTQHEF[Glu745Gln]LAQWAFRKWK